The following is an entry in ClinVar:

ClinVar aggregate classification (germline): Likely pathogenic (0 of 4 stars; one submission).

Conditions:
GNAS-related disorder. Identifiers: MedGen CN380105.

Submission:

PreventionGenetics, part of Exact Sciences
Classification: Likely pathogenic for GNAS-related condition. Last evaluated: 2024-06-28. Review status: no assertion criteria provided. Collection method: clinical testing. Allele origin: germline.
Comment: The GNAS c.380dupG variant is predicted to result in a frameshift and premature protein termination (p.Val128Serfs*12). To our knowledge, this variant has not been reported in the literature or in a large population database, indicating this variant is rare. Frameshift variants in GNAS are expected to be pathogenic. This variant is interpreted as likely pathogenic.

NM_000516.7(GNAS):c.380dup (p.Val128fs)

Gene: GNAS (GNAS complex locus; plus strand). Cytogenetic location: 20q13.32.
Variant type: Duplication.
Coding change: c.380dup on transcript NM_000516.7 (MANE Select); coding-DNA position 380, one base duplicated (G; older notation c.380dupG).
Protein change: p.Val128fs; shifts the reading frame from valine 128.
Molecular consequence: frameshift variant. On other transcripts: 3 prime UTR variant (2).
Genome position (GRCh38, 1-based): chr20:58,903,739, G duplicated. VCF-style (leftmost placement, unchanged base first): chr20-58903738-A-AG. GRCh37 (hg19) VCF-style: chr20-57478793-A-AG.
Other names: c.383dup, p.Val129fs (NM_001077488.5); c.335dup, p.Val113fs (NM_001077489.4); c.*241dup (NM_001077490.3); c.203dup, p.Val69fs (NM_001309840.2, NM_001309861.2); c.284dup, p.Val96fs (NM_001410912.1); c.2264dup, p.Val756fs (NM_001410913.1); c.*286dup (NM_016592.5); c.2309dup, p.Val771fs (NM_080425.4); and 1 more; short protein forms V113fs, V114fs, V128fs, V129fs, V69fs, V756fs, V771fs, V96fs.
Identifiers: ClinVar variation 3346042 (VCV003346042.1).